The following is an entry in ClinVar:

NM_001853.4(COL9A3):c.212G>A (p.Gly71Glu)

Gene: COL9A3 (collagen type IX alpha 3 chain; plus strand). Cytogenetic location: 20q13.33.
Variant type: single nucleotide variant.
Coding change: c.212G>A on transcript NM_001853.4 (MANE Select); coding-DNA position 212, G replaced by A.
Protein change: p.Gly71Glu; replaces glycine 71 with glutamic acid.
Molecular consequence: missense variant.
Genome position (GRCh38, 1-based): chr20:62,819,250, G>A. VCF-style: chr20-62819250-G-A. GRCh37 (hg19) VCF-style: chr20-61450602-G-A.
Other names: short protein forms G71E.
Identifiers: ClinVar variation 1719033 (VCV001719033.5), dbSNP rs1568747823, ClinGen allele CA409587539.

ClinVar aggregate classification (germline): Uncertain significance (1 of 4 stars; one submission).

Submission:

Labcorp Genetics (formerly Invitae), Labcorp
Classification: Uncertain significance. Last evaluated: 2022-09-15. Review status: criteria provided, single submitter. Criteria: Invitae Variant Classification Sherloc (09022015). Collection method: clinical testing. Allele origin: germline.
Comment: In summary, the available evidence is currently insufficient to determine the role of this variant in disease. Therefore, it has been classified as a Variant of Uncertain Significance. This sequence change replaces glycine, which is neutral and non-polar, with glutamic acid, which is acidic and polar, at codon 71 of the COL9A3 protein (p.Gly71Glu). This variant is not present in population databases (gnomAD no frequency). This variant has not been reported in the literature in individuals affected with COL9A3-related conditions. Advanced modeling of protein sequence and biophysical properties (such as structural, functional, and spatial information, amino acid conservation, physicochemical variation, residue mobility, and thermodynamic stability) performed at Invitae indicates that this missense variant is expected to disrupt COL9A3 protein function.